The following is an entry in ClinVar:

NM_201384.3(PLEC):c.5561T>C (p.Ile1854Thr)

Gene: PLEC (plectin; minus strand). Cytogenetic location: 8q24.3.
Variant type: single nucleotide variant.
Coding change: c.5561T>C on transcript NM_201384.3 (MANE Select); coding-DNA position 5561, T replaced by C.
Protein change: p.Ile1854Thr; replaces isoleucine 1854 with threonine.
Molecular consequence: missense variant.
Genome position (GRCh38, 1-based): chr8:143,924,368, A>G on the plus strand (T>C on the coding strand, the complement: PLEC is on the minus strand). VCF-style: chr8-143924368-A-G. GRCh37 (hg19) VCF-style: chr8-144998536-A-G.
Other names: c.5642T>C, p.Ile1881Thr (NM_000445.5); c.5519T>C, p.Ile1840Thr (NM_201378.4); c.5495T>C, p.Ile1832Thr (NM_201379.3); c.5972T>C, p.Ile1991Thr (NM_201380.4); c.5465T>C, p.Ile1822Thr (NM_201381.3); c.5561T>C, p.Ile1854Thr (NM_201382.4); c.5573T>C, p.Ile1858Thr (NM_201383.3); short protein forms I1822T, I1854T, I1858T, I1832T, I1840T, I1881T, I1991T.
Identifiers: ClinVar variation 1472251 (VCV001472251.8), dbSNP rs2131392579, ClinGen allele CA372543796.

ClinVar aggregate classification (germline): Uncertain significance (1 of 4 stars; one submission).

Conditions:
Autosomal recessive limb-girdle muscular dystrophy type 2Q (LGMDR17). Also called: MUSCULAR DYSTROPHY, LIMB-GIRDLE, AUTOSOMAL RECESSIVE 17. Identifiers: Orphanet 254361, MedGen C3150989, MONDO:0013390, OMIM 613723.
Epidermolysis bullosa simplex 5B, with muscular dystrophy (EBS5B). Also called: EPIDERMOLYSIS BULLOSA SIMPLEX AND LIMB-GIRDLE MUSCULAR DYSTROPHY; Epidermolysis bullosa simplex with muscular dystrophy. Identifiers: Orphanet 257, MedGen C2931072, MONDO:0009181, OMIM 226670.
Epidermolysis bullosa simplex, Ogna type (EBS5A). Also called: Pidermolysis bullosa simplex 5A, Ogna type; EPIDERMOLYSIS BULLOSA SIMPLEX 5A, OGNA TYPE. Identifiers: Orphanet 79401, MedGen C0432317, MONDO:0007555, OMIM 131950.
Epidermolysis bullosa simplex with nail dystrophy (EBS5D). Identifiers: MedGen C4225309, MONDO:0014661, OMIM 616487.
Epidermolysis bullosa simplex 5C, with pyloric atresia (EBS5C). Also called: Epidermolysis bullosa simplex with pyloric atresia; PLEC1-Related Epidermolysis Bullosa with Pyloric Atresia; PLEC-Related Epidermolysis Bullosa with Pyloric Atresia. Identifiers: Orphanet 158684, MedGen C2677349, MONDO:0012807, OMIM 612138.

Submission:

Labcorp Genetics (formerly Invitae), Labcorp
Classification: Uncertain significance for Autosomal recessive limb-girdle muscular dystrophy type 2Q; Epidermolysis bullosa simplex, Ogna type; Epidermolysis bullosa simplex with nail dystrophy; Epidermolysis bullosa simplex 5C, with pyloric atresia; Epidermolysis bullosa simplex 5B, with muscular dystrophy. Last evaluated: 2022-09-07. Review status: criteria provided, single submitter. Criteria: Invitae Variant Classification Sherloc (09022015). Collection method: clinical testing. Allele origin: germline.
Comment: In summary, the available evidence is currently insufficient to determine the role of this variant in disease. Therefore, it has been classified as a Variant of Uncertain Significance. Algorithms developed to predict the effect of missense changes on protein structure and function are either unavailable or do not agree on the potential impact of this missense change (SIFT: "Deleterious"; PolyPhen-2: "Not Available"; Align-GVGD: "Class C65"). ClinVar contains an entry for this variant (Variation ID: 1472251). This variant has not been reported in the literature in individuals affected with PLEC-related conditions. This variant is not present in population databases (gnomAD no frequency). This sequence change replaces isoleucine, which is neutral and non-polar, with threonine, which is neutral and polar, at codon 1881 of the PLEC protein (p.Ile1881Thr).